The following is an entry in ClinVar:

NM_004006.3(DMD):c.615T>G (p.Tyr205Ter)

Gene: DMD (dystrophin; minus strand). Cytogenetic location: Xp21.1.
Variant type: single nucleotide variant.
Coding change: c.615T>G on transcript NM_004006.3 (MANE Select); coding-DNA position 615, T replaced by G.
Protein change: p.Tyr205Ter; replaces tyrosine 205 with a stop codon.
Molecular consequence: nonsense.
Genome position (GRCh38, 1-based): chrX:32,809,527, A>C on the plus strand (T>G on the coding strand, the complement: DMD is on the minus strand). VCF-style: chrX-32809527-A-C. GRCh37 (hg19) VCF-style: chrX-32827644-A-C.
Other names: c.591T>G, p.Tyr197Ter (NM_000109.4); c.603T>G, p.Tyr201Ter (NM_004009.3); c.246T>G, p.Tyr82Ter (NM_004010.3); short protein forms Y205*, Y82*, Y201*, Y197*.
Identifiers: ClinVar variation 2097258 (VCV002097258.4), dbSNP rs398124004, ClinGen allele CA412673825.
Genomic context (GRCh38, chrX:32,809,527, plus strand): 5'-CAGTGGTAGTCCAGAAATTTACCAACCTTCAGGATCGAGTAGTTTCTCTATGCCTAATTG[A>C]TATCTGGCGATGTTGAATGCATGTTCCAGTCGTTGTGTGGCTGACTGCTGGCAAACCACA-3'

ClinVar aggregate classification (germline): Pathogenic (1 of 4 stars; one submission).

Conditions:
Duchenne muscular dystrophy (DMD). Also called: MUSCULAR DYSTROPHY, PSEUDOHYPERTROPHIC PROGRESSIVE, DUCHENNE TYPE; Duchenne Muscular Dystrophy (DMD). Identifiers: Orphanet 98896, MedGen C0013264, MONDO:0010679, OMIM 310200.

Submission:

Labcorp Genetics (formerly Invitae), Labcorp
Classification: Pathogenic for Duchenne muscular dystrophy. Last evaluated: 2021-11-14. Review status: criteria provided, single submitter. Criteria: Invitae Variant Classification Sherloc (09022015). Collection method: clinical testing. Allele origin: germline.
Comment: For these reasons, this variant has been classified as Pathogenic. This variant has not been reported in the literature in individuals affected with DMD-related conditions. This variant is not present in population databases (gnomAD no frequency). This sequence change creates a premature translational stop signal (p.Tyr205*) in the DMD gene. It is expected to result in an absent or disrupted protein product. Loss-of-function variants in DMD are known to be pathogenic (PMID: 16770791, 25007885).

Literature cited by the submitters: PubMed 16770791; PubMed 25007885.